The following is an entry in ClinVar:

NM_032898.5(CEP19):c.461G>A (p.Gly154Asp)

Gene: CEP19 (centrosomal protein 19; minus strand). Cytogenetic location: 3q29.
Variant type: single nucleotide variant.
Coding change: c.461G>A on transcript NM_032898.5 (MANE Select); coding-DNA position 461, G replaced by A.
Protein change: p.Gly154Asp; replaces glycine 154 with aspartic acid.
Molecular consequence: missense variant.
Genome position (GRCh38, 1-based): chr3:196,707,582, C>T on the plus strand (G>A on the coding strand, the complement: CEP19 is on the minus strand). VCF-style: chr3-196707582-C-T. GRCh37 (hg19) VCF-style: chr3-196434453-C-T.
Other names: c.356G>A, p.Gly119Asp (NM_001379468.1); c.461G>A, p.Gly154Asp (NM_001379469.1, NM_001379470.1); short protein forms G119D, G154D.
Identifiers: ClinVar variation 2116085 (VCV002116085.4), dbSNP rs2474227329, ClinGen allele CA355633952.

ClinVar aggregate classification (germline): Uncertain significance (1 of 4 stars; one submission).

Submission:

Labcorp Genetics (formerly Invitae), Labcorp
Classification: Uncertain significance. Last evaluated: 2022-03-23. Review status: criteria provided, single submitter. Criteria: Invitae Variant Classification Sherloc (09022015). Collection method: clinical testing. Allele origin: germline.
Comment: In summary, the available evidence is currently insufficient to determine the role of this variant in disease. Therefore, it has been classified as a Variant of Uncertain Significance. Algorithms developed to predict the effect of missense changes on protein structure and function are either unavailable or do not agree on the potential impact of this missense change (SIFT: "Deleterious"; PolyPhen-2: "Benign"; Align-GVGD: "Class C15"). This variant has not been reported in the literature in individuals affected with CEP19-related conditions. This variant is not present in population databases (gnomAD no frequency). This sequence change replaces glycine, which is neutral and non-polar, with aspartic acid, which is acidic and polar, at codon 158 of the CEP19 protein (p.Gly158Asp).